The following is an entry in ClinVar:

ClinVar aggregate classification (germline): Conflicting classifications of pathogenicity. Review status: criteria provided, conflicting classifications (1 of 4 stars). 4 submissions from 4 submitters: Uncertain significance (1); Benign (1); Likely benign (1). 1 of the submissions does not count toward it. Last evaluated 2025-12-01.

Conditions:
ROGDI-related disorder. Also called: ROGDI-related condition.
Amelocerebrohypohidrotic syndrome (KTZS). Also called: EPILEPSY AND YELLOW TEETH; EPILEPSY, DEMENTIA, AND AMELOGENESIS IMPERFECTA; KOHLSCHUTTER SYNDROME; Kohlschutter's syndrome. Identifiers: Orphanet 1946, MedGen C0406740, MONDO:0009185, OMIM 226750.

Allele frequency attached by ClinVar (database versions not stated): gnomAD exomes 0.00024; ExAC 0.00029; ESP Exome Variant Server 0.00062; gnomAD 0.00070 and 0.00073; TOPMed 0.00072; 1000 Genomes Project 30x 0.00078; 1000 Genomes Project 0.00100.
gnomAD v4.1: 251 of 1,607,910 alleles (0.016%); highest among the groups gnomAD compares: African/African-American, 0.23%; 1 homozygote.

Submissions (4):

Labcorp Genetics (formerly Invitae), Labcorp
Classification: Benign for Amelocerebrohypohidrotic syndrome. Last evaluated: 2025-12-01. Review status: criteria provided, single submitter. Criteria: Invitae Variant Classification Sherloc (09022015). Collection method: clinical testing. Allele origin: germline.

Blueprint Genetics
Classification: Likely benign. Last evaluated: 2024-09-25. Review status: criteria provided, single submitter. Criteria: ACMG Guidelines, 2015. Collection method: clinical testing. Allele origin: germline.

Illumina Laboratory Services, Illumina
Classification: Uncertain significance for Kohlschutter syndrome. Last evaluated: 2018-01-13. Review status: criteria provided, single submitter. Criteria: ICSL Variant Classification Criteria 13 December 2019. Collection method: clinical testing. Allele origin: germline.

PreventionGenetics, part of Exact Sciences
Classification: Likely benign for ROGDI-related condition. Last evaluated: 2020-09-14. Review status: no assertion criteria provided. Collection method: clinical testing. Allele origin: germline. Not counted in ClinVar's aggregate classification.
Comment: This variant is classified as likely benign based on ACMG/AMP sequence variant interpretation guidelines (Richards et al. 2015 PMID: 25741868, with internal and published modifications).

NM_024589.3(ROGDI):c.243C>T (p.Ala81=)

Gene: ROGDI (rogdi atypical leucine zipper; minus strand). Cytogenetic location: 16p13.3.
Variant type: single nucleotide variant.
Coding change: c.243C>T on transcript NM_024589.3 (MANE Select); coding-DNA position 243, C replaced by T.
Protein change: p.Ala81=; no amino-acid change (alanine 81 retained).
Molecular consequence: synonymous variant.
Genome position (GRCh38, 1-based): chr16:4,801,279, G>A on the plus strand (C>T on the coding strand, the complement: ROGDI is on the minus strand). VCF-style: chr16-4801279-G-A. GRCh37 (hg19) VCF-style: chr16-4851280-G-A.
Identifiers: ClinVar variation 241506 (VCV000241506.21), dbSNP rs148051351, ClinGen allele CA7882883.
Genomic context (GRCh38, chr16:4,801,279, plus strand): 5'-GCTCTTCCCCATTGGCAGGATGGGAGGGGACAGGGCCGGGGGACTCACCGCCTGGCTGAG[G>A]GCATCCCCCTGCAGAGTCAGCACACCCTTCACCTGGTCTGTGCTGTAACATGTGGCGTCA-3'
Protein context (NP_078865.1, residues 71-91): VKGVLTLQGD[Ala81=]LSQADVNLKM